The following is an entry in ClinVar:

NM_001985.3(ETFB):c.-36G>C

Gene: ETFB (electron transfer flavoprotein subunit beta; minus strand). Cytogenetic location: 19q13.41.
Variant type: single nucleotide variant.
Coding change: c.-36G>C on transcript NM_001985.3 (MANE Select); 36 bases upstream of the start codon, G replaced by C.
Molecular consequence: 5 prime UTR variant.
Genome position (GRCh38, 1-based): chr19:51,366,362, C>G on the plus strand (G>C on the coding strand, the complement: ETFB is on the minus strand). VCF-style: chr19-51366362-C-G. GRCh37 (hg19) VCF-style: chr19-51869616-C-G.
Identifiers: ClinVar variation 137231 (VCV000137231.2), dbSNP rs202118581, ClinGen allele CA290769.
Genomic context (GRCh38, chr19:51,366,362, plus strand): 5'-CTACGAGCACGCGCAGCTCCGCCATCTTCCCGCCGCAGCCACTTACAGGGTCAGCCCGCA[C>G]CCTCAGCGGCTCAGTCCAGAAGCCCCACCACCCCCGCCCCCCGCGCCCCTCTCTGCGCCT-3'

ClinVar aggregate classification (germline): Benign. Review status: criteria provided, multiple submitters, no conflicts (2 of 4 stars). 2 submissions from 2 submitters: Benign (2). Last evaluated 2014-04-22.

Allele frequency attached by ClinVar (database versions not stated): 1000 Genomes Project 0.00280; 1000 Genomes Project 30x 0.00297; gnomAD 0.00405; ExAC 0.00470; ESP Exome Variant Server 0.00554; TOPMed 0.00573.
gnomAD v4.1: 11,987 of 1,605,052 alleles (0.75%); highest among the groups gnomAD compares: Non-Finnish European, 0.9%; 66 homozygotes.

Submissions (2):

GeneDx
Classification: Benign. Last evaluated: 2014-04-22. Review status: criteria provided, single submitter. Criteria: GeneDx Variant Classification (06012015). Collection method: clinical testing. Allele origin: germline. Affected: yes.
Comment: This variant is considered likely benign or benign based on one or more of the following criteria: it is a conservative change, it occurs at a poorly conserved position in the protein, it is predicted to be benign by multiple in silico algorithms, and/or has population frequency not consistent with disease.

Breakthrough Genomics
Classification: Benign. Review status: criteria provided, single submitter. Criteria: ACMG Guidelines, 2015. Collection method: not provided. Allele origin: germline. Inheritance: Autosomal recessive inheritance. Affected: yes.